The following is an entry in ClinVar:

NM_201384.3(PLEC):c.6657C>T (p.Ala2219=)

Gene: PLEC (plectin; minus strand). Cytogenetic location: 8q24.3.
Variant type: single nucleotide variant.
Coding change: c.6657C>T on transcript NM_201384.3 (MANE Select); coding-DNA position 6657, C replaced by T.
Protein change: p.Ala2219=; no amino-acid change (alanine 2219 retained).
Molecular consequence: synonymous variant.
Genome position (GRCh38, 1-based): chr8:143,923,272, G>A on the plus strand (C>T on the coding strand, the complement: PLEC is on the minus strand). VCF-style: chr8-143923272-G-A. GRCh37 (hg19) VCF-style: chr8-144997440-G-A.
Other names: c.6738C>T, p.Ala2246= (NM_000445.5); c.6615C>T, p.Ala2205= (NM_201378.4); c.6591C>T, p.Ala2197= (NM_201379.3); c.7068C>T, p.Ala2356= (NM_201380.4); c.6561C>T, p.Ala2187= (NM_201381.3); c.6657C>T, p.Ala2219= (NM_201382.4); c.6669C>T, p.Ala2223= (NM_201383.3); c.6738C>T (NM_000445.4).
Identifiers: ClinVar variation 497512 (VCV000497512.57), dbSNP rs762600030, ClinGen allele CA4925914.
Genomic context (GRCh38, chr8:143,923,272, plus strand): 5'-CTCCTCCATCTGCACGCGCACCGAGAAGAGCTCCTCCTCCACCTGGCTGCGCTGGCGTGC[G>A]GCCTCCGTGGCCTCCGCCTTCAGCCGCTGCAGCTCCTCGTCCAGCAGGTTCTTCTGGTGG-3'
Protein context (NP_958786.1, residues 2209-2229): LQRLKAEATE[Ala2219=]ARQRSQVEEE

ClinVar aggregate classification (germline): Conflicting classifications of pathogenicity. Review status: criteria provided, conflicting classifications (1 of 4 stars). 5 submissions from 5 submitters: Uncertain significance (2); Likely benign (3). Last evaluated 2026-01-14.

Conditions:
Epidermolysis bullosa simplex 5C, with pyloric atresia (EBS5C). Also called: PLEC-Related Epidermolysis Bullosa with Pyloric Atresia; Epidermolysis bullosa simplex with pyloric atresia; PLEC1-Related Epidermolysis Bullosa with Pyloric Atresia. Identifiers: Orphanet 158684, MedGen C2677349, MONDO:0012807, OMIM 612138.
Epidermolysis bullosa simplex 5B, with muscular dystrophy (EBS5B). Also called: EPIDERMOLYSIS BULLOSA SIMPLEX AND LIMB-GIRDLE MUSCULAR DYSTROPHY; Epidermolysis bullosa simplex with muscular dystrophy. Identifiers: Orphanet 257, MedGen C2931072, MONDO:0009181, OMIM 226670.
Autosomal recessive limb-girdle muscular dystrophy type 2Q (LGMDR17). Also called: MUSCULAR DYSTROPHY, LIMB-GIRDLE, AUTOSOMAL RECESSIVE 17. Identifiers: Orphanet 254361, MedGen C3150989, MONDO:0013390, OMIM 613723.
Epidermolysis bullosa simplex with nail dystrophy (EBS5D). Identifiers: MedGen C4225309, MONDO:0014661, OMIM 616487.
Epidermolysis bullosa simplex, Ogna type (EBS5A). Also called: Pidermolysis bullosa simplex 5A, Ogna type; EPIDERMOLYSIS BULLOSA SIMPLEX 5A, OGNA TYPE. Identifiers: Orphanet 79401, MedGen C0432317, MONDO:0007555, OMIM 131950.
PLEC-related disorder. Also called: PLEC-related disorders; PLEC-related condition.

Allele frequency attached by ClinVar (database versions not stated): ExAC 0.00004; gnomAD exomes 0.00007 and 0.00009; TOPMed 0.00008; gnomAD 0.00009 and 0.00010.
gnomAD v4.1: 146 of 1,606,218 alleles (0.0091%); highest among the groups gnomAD compares: Middle Eastern, 0.016%; no homozygotes.

Submissions (5):

PreventionGenetics, part of Exact Sciences
Classification: Likely benign for PLEC-related condition. Last evaluated: 2026-01-14. Review status: criteria provided, single submitter. Criteria: ACMG Guidelines, 2015. Collection method: clinical testing. Allele origin: germline.
Comment: This variant is classified as likely benign based on ACMG/AMP sequence variant interpretation guidelines (Richards et al. 2015 PMID: 25741868, with internal and published modifications).

Labcorp Genetics (formerly Invitae), Labcorp
Classification: Likely benign for Autosomal recessive limb-girdle muscular dystrophy type 2Q; Epidermolysis bullosa simplex, Ogna type; Epidermolysis bullosa simplex with nail dystrophy; Epidermolysis bullosa simplex 5C, with pyloric atresia; Epidermolysis bullosa simplex 5B, with muscular dystrophy. Last evaluated: 2025-11-18. Review status: criteria provided, single submitter. Criteria: Invitae Variant Classification Sherloc (09022015). Collection method: clinical testing. Allele origin: germline.

GeneDx
Classification: Likely benign. Last evaluated: 2020-11-04. Review status: criteria provided, single submitter. Criteria: GeneDx Variant Classification Process June 2021. Collection method: clinical testing. Allele origin: germline. Affected: yes.

CeGaT Center for Human Genetics Tuebingen
Classification: Uncertain significance. Last evaluated: 2017-05-01. Review status: criteria provided, single submitter. Criteria: CeGaT Center For Human Genetics Tuebingen Variant Classification Criteria Version 2. Collection method: clinical testing. Allele origin: germline. Affected: yes. Observed: 1 variant allele.

Eurofins Ntd Llc (ga)
Classification: Uncertain significance. Last evaluated: 2017-04-13. Review status: criteria provided, single submitter. Criteria: EGL Classification Definitions 2015. Collection method: clinical testing. Allele origin: germline. Observed: 2 variant alleles, 2 heterozygotes.